The following is an entry in ClinVar:

NM_000303.3(PMM2):c.338C>T (p.Pro113Leu)

Gene: PMM2 (phosphomannomutase 2; plus strand). Cytogenetic location: 16p13.2.
Variant type: single nucleotide variant.
Coding change: c.338C>T on transcript NM_000303.3 (MANE Select); coding-DNA position 338, C replaced by T.
Protein change: p.Pro113Leu; replaces proline 113 with leucine.
Molecular consequence: missense variant.
Genome position (GRCh38, 1-based): chr16:8,806,398, C>T. VCF-style: chr16-8806398-C-T. GRCh37 (hg19) VCF-style: chr16-8900255-C-T.
Other names: short protein forms P113L.
Identifiers: ClinVar variation 7723 (VCV000007723.82), dbSNP rs80338700, ClinGen allele CA220619.

ClinVar aggregate classification (germline): Pathogenic. Review status: criteria provided, multiple submitters, no conflicts (2 of 4 stars). 19 submissions from 19 submitters: Pathogenic (15). 4 of the submissions do not count toward it. Last evaluated 2026-07-01.

Conditions:
PMM2-related disorder. Also called: PMM2-related condition.
Isolated cerebellar hypoplasia/agenesis (CHEGDD). Also called: Cerebellar hypoplasia/atrophy, epilepsy, and global developmental delay. Identifiers: Orphanet 1398, Orphanet 2246, MedGen C5231391, MONDO:0008939, OMIM 213000.
Cerebral atrophy. Identifiers: MedGen C0235946, HP:0002059.
Spasticity. Identifiers: MedGen C0026838, HP:0001257.
Cerebral palsy. Identifiers: MedGen C0007789, MONDO:0006497, HP:0100021.
Cerebellar ataxia. Identifiers: Orphanet 102002, MedGen C0007758, MONDO:0000437.
Poor speech. Identifiers: MedGen C1848207, HP:0002465.
PMM2-congenital disorder of glycosylation. Also called: JAEKEN SYNDROME; CDG Ia; Congenital disorder of glycosylation, type Ia; PHOSPHOMANNOMUTASE 2 DEFICIENCY; CARBOHYDRATE-DEFICIENT GLYCOPROTEIN SYNDROME, TYPE Ia; PMM2-CDG. Identifiers: Orphanet 79318, MedGen C0349653, MONDO:0008907, OMIM 212065.

Allele frequency attached by ClinVar (database versions not stated): gnomAD 0.00001 and 0.00002; ExAC 0.00004; TOPMed 0.00002.
gnomAD v4.1: 29 of 1,609,178 alleles (0.0018%); highest among the groups gnomAD compares: South Asian, 0.014%; no homozygotes.

Submissions 1 to 9 of 19:

CeGaT Center for Human Genetics Tuebingen
Classification: Pathogenic. Last evaluated: 2026-07-01. Review status: criteria provided, single submitter. Criteria: CeGaT Center For Human Genetics Tuebingen Variant Classification Criteria Version 2. Collection method: clinical testing. Allele origin: germline. Affected: yes. Observed: 2 variant alleles.
Comment: PMM2: PM3:Very Strong, PM2, PS3:Moderate, PP3

Labcorp Genetics (formerly Invitae), Labcorp
Classification: Pathogenic for PMM2-congenital disorder of glycosylation. Last evaluated: 2025-10-26. Review status: criteria provided, single submitter. Criteria: Invitae Variant Classification Sherloc (09022015). Collection method: clinical testing. Allele origin: germline.
Comment: This sequence change replaces proline, which is neutral and non-polar, with leucine, which is neutral and non-polar, at codon 113 of the PMM2 protein (p.Pro113Leu). This variant is present in population databases (rs80338700, gnomAD 0.01%). This missense change has been observed in individuals with PMM2-related congenital disorder of glycosylation (PMM2-CDG, also known as CDG type Ia) (PMID: 9140401, 11058895, 18948042, 21541725). ClinVar contains an entry for this variant (Variation ID: 7723). Invitae Evidence Modeling of protein sequence and biophysical properties (such as structural, functional, and spatial information, amino acid conservation, physicochemical variation, residue mobility, and thermodynamic stability) indicates that this missense variant is expected to disrupt PMM2 protein function with a positive predictive value of 95%. Experimental studies have shown that this missense change affects PMM2 function (PMID: 9140401, 18948042, 21541725, 26014514). For these reasons, this variant has been classified as Pathogenic.

Natera, Inc.
Classification: Pathogenic for Congenital disorder of glycosylation type 1a. Last evaluated: 2025-08-07. Review status: criteria provided, single submitter. Criteria: Natera Variant Classification Schema (03/2026). Collection method: clinical testing. Allele origin: germline.
Comment: The c.338C>T variant in PMM2 is a missense variant predicted to cause substitution of proline to leucine at amino acid 113. This variant is rare in the general population with a frequency below the threshold expected for the associated phenotype(s). This variant has been observed in one or more individuals affected with the associated recessive disease, as either homozygous or compound heterozygous with a second variant (PMID: 32635232, 23806237). Computational prediction algorithms indicate this variant is likely to affect gene or protein function. Given the available evidence, this variant is classified as Pathogenic.

ARUP Laboratories, Molecular Genetics and Genomics, ARUP Laboratories
Classification: Pathogenic for PMM2-congenital disorder of glycosylation. Last evaluated: 2024-05-07. Review status: criteria provided, single submitter. Criteria: ARUP Molecular Germline Variant Investigation Process 2024. Collection method: clinical testing. Allele origin: germline.
Comment: The PMM2 c.338C>T; p.Pro113Leu variant (rs80338700, ClinVar variation ID: 7723) is reported in the literature in numerous individuals affected with PMM2 related congenital disorder of glycosylation (PMM2-CDG; selected references: Erlandson 2001, Matthijs 1997) and is considered to be a common pathogenic variant (Lam 2005). This variant is found in the general population with an overall allele frequency of 0.002% (6/251,400 alleles) in the Genome Aggregation Database (v2.1.1). In vitro functional analyses demonstrate a reduction in PMM2 activity and affects dimer interactions (Vega 2011, Yuste-Checa 2015). Computational analyses predict that this variant is deleterious (REVEL: 0.966). Based on available information, this variant is considered to be pathogenic. References: Erlandson A et al. Scandinavian CDG-Ia patients: genotype/phenotype correlation and geographic origin of founder mutations. Hum Genet. 2001 May;108(5):359-67. PMID: 11409861. Lam C et al. PMM2-CDG. 2005 Aug 15 [Updated 2021 May 20]. In: Adam MP, Feldman J, Mirzaa GM, et al., editors. GeneReviewsÂ® [Internet]. Seattle (WA): University of Washington, Seattle; 1993-2024. Available from an online resource Matthijs G et al. Mutations in PMM2, a phosphomannomutase gene on chromosome 16p13, in carbohydrate-deficient glycoprotein type I syndrome (Jaeken syndrome). Nat Genet. 1997 May;16(1):88-92. PMID: 9140401. Vega AI et al. Expression analysis revealing destabilizing mutations in phosphomannomutase 2 deficiency (PMM2-CDG): expression analysis of PMM2-CDG mutations. J Inherit Metab Dis. 2011 Aug;34(4):929-39. PMID: 21541725. Yuste-Checa P et al. The Effects of PMM2-CDG-Causing Mutations on the Folding, Activity, and Stability of the PMM2 Protein. Hum Mutat. 2015 Sep;36(9):851-60. PMID: 26014514.

Blueprint Genetics
Classification: Pathogenic for PMM2-related disorders. Last evaluated: 2024-02-23. Review status: criteria provided, single submitter. Criteria: ACMG Guidelines, 2015. Collection method: clinical testing. Allele origin: germline. Affected: yes. Observed: 5 variant alleles.

3billion
Classification: Pathogenic for PMM2-congenital disorder of glycosylation. Last evaluated: 2023-07-25. Review status: criteria provided, single submitter. Criteria: ACMG Guidelines, 2015. Collection method: clinical testing. Allele origin: germline. Affected: yes.
Comment: The variant is observed at an extremely low frequency in the gnomAD v2.1.1 dataset (total allele frequency: 0.002%). Predicted Consequence/Location: Missense variant In silico tool predictions suggest damaging effect of the variant on gene or gene product (REVEL: 0.97; 3Cnet: 0.88). Same nucleotide change resulting in same amino acid change has been previously reported as pathogenic/likely pathogenic with strong evidence (ClinVar ID: VCV000007723 /PMID: 9140401 /3billion dataset).The variant has been reported to be in trans with a pathogenic variant as either compound heterozygous or homozygous in at least 2 similarly affected unrelated individuals (PMID: 18948042, 21541725).Different missense changes at the same codon (p.Pro113Ala, p.Pro113Thr) have been reported as pathogenic/likely pathogenic with strong evidence (ClinVar ID: VCV000420784 /PMID: 15520415). Therefore, this variant is classified as Pathogenic according to the recommendation of ACMG/AMP guideline.

Neuberg Centre For Genomic Medicine, NCGM
Classification: Pathogenic for PMM2-congenital disorder of glycosylation. Last evaluated: 2023-05-20. Review status: criteria provided, single submitter. Criteria: ACMG Guidelines, 2015. Collection method: clinical testing. Allele origin: germline. Inheritance: Autosomal recessive inheritance. Affected: yes.
Comment: The observed missense variant c.338C>T(p.Pro113Leu) in PMM2 gene has been previously reported in both homozygous and compound heterozygous states in multiple individuals affected with congenital disorder of glycosylation (Vega et al., 2011; Le Bizec et al., 2005; Matthijs et al., 2000; Grünewald et al., 2001; Pérez-Dueñas et al., 2009; Yuste-Checa et al., 2015). Experimental studies showed this variant to result in reduced enzyme activity, reduced half-life, and disruption of dimer formation (Vega et al., 2011; Grünewald et al., 2001; Yuste-Checa et al., 2015). The p.Pro113Leu variant is present with allele frequency of 0.002% in gnomAD Exomes. This variant has been submitted to the ClinVar database as Pathogenic (multiple submissions). Multiple lines of computational evidence (Polyphen - Probably Damaging, SIFT - Damaging and MutationTaster - Disease Causing) predict a damaging effect on protein structure and function for this variant. The reference amino acid of p.Pro113Leu in PMM2 is predicted as conserved by GERP++ and PhyloP across 100 vertebrates. The amino acid Pro at position 113 is changed to a Leu changing protein sequence and it might alter its composition and physico-chemical properties. For these reasons, this variant has been classified as Pathogenic.

GeneDx
Classification: Pathogenic. Last evaluated: 2022-09-07. Review status: criteria provided, single submitter. Criteria: GeneDx Variant Classification Process June 2021. Collection method: clinical testing. Allele origin: germline. Affected: yes.
Comment: Published functional studies demonstrate a damaging effect as P113L results in reduced PMM activity and a reduced half-life (Vega et al., 2011); Not observed at significant frequency in large population cohorts (gnomAD); This variant is associated with the following publications: (PMID: 11156536, 34828263, 25525159, 26014514, 11589167, 22975760, 9140401, 11058896, 15844218, 18948042, 11916319, 11058895, 32581362, 11409861, 32064623, 31589614, 33643843, 33413482, 21541725)

Fulgent Genetics
Classification: Pathogenic for PMM2-congenital disorder of glycosylation. Last evaluated: 2021-06-30. Review status: criteria provided, single submitter. Criteria: ACMG Guidelines, 2015. Collection method: clinical testing. Allele origin: unknown.
Comment: This variant has been detected in individual(s) who were sent for testing of Renasight - kidney gene panel.